The following is an entry in ClinVar:

NM_007294.4(BRCA1):c.4219C>G (p.Leu1407Val)

Gene: BRCA1 (BRCA1 DNA repair associated; minus strand). Cytogenetic location: 17q21.31.
Variant type: single nucleotide variant.
Coding change: c.4219C>G on transcript NM_007294.4 (MANE Select); coding-DNA position 4219, C replaced by G.
Protein change: p.Leu1407Val; replaces leucine 1407 with valine.
Molecular consequence: missense variant. On other transcripts: non-coding transcript variant (1).
Genome position (GRCh38, 1-based): chr17:43,082,542, G>C on the plus strand (C>G on the coding strand, the complement: BRCA1 is on the minus strand). VCF-style: chr17-43082542-G-C. GRCh37 (hg19) VCF-style: chr17-41234559-G-C.
Other names: 4338C>G; c.4093C>G, p.Leu1365Val (NM_001407681.1, NM_001407682.1, NM_001407683.1 and 12 more transcripts); c.4219C>G, p.Leu1407Val (NM_001407684.1, NM_001407854.1, NM_001407858.1 and 23 more transcripts); c.4090C>G, p.Leu1364Val (NM_001407685.1, NM_001407686.1, NM_001407687.1 and 2 more transcripts); c.4078C>G, p.Leu1360Val (NM_001407692.1, NM_001407694.1, NM_001407695.1 and 23 more transcripts); c.4075C>G, p.Leu1359Val (NM_001407740.1, NM_001407741.1, NM_001407742.1 and 23 more transcripts); c.4072C>G, p.Leu1358Val (NM_001407847.1, NM_001407848.1, NM_001407849.1); c.4006C>G, p.Leu1336Val (NM_001407853.1, NM_001407894.1, NM_001407895.1 and 12 more transcripts); and 52 more; short protein forms L1407V, L1360V, L304V, L1296V, L1317V, L1335V, L1359V, L1366V.
Identifiers: ClinVar variation 37576 (VCV000037576.14), dbSNP rs397507227, ClinGen allele CA002717.

ClinVar aggregate classification (germline): Uncertain significance. Review status: criteria provided, multiple submitters, no conflicts (2 of 4 stars). 4 submissions from 4 submitters: Uncertain significance (3). 1 of the submissions does not count toward it. Last evaluated 2025-10-23.

Conditions:
Hereditary cancer-predisposing syndrome. Also called: Tumor predisposition; Neoplastic Syndromes, Hereditary; Hereditary Cancer Syndrome; Hereditary neoplastic syndrome. Identifiers: Orphanet 140162, MedGen C0027672, MeSH D009386, MONDO:0015356.
Hereditary breast ovarian cancer syndrome. Also called: Hereditary breast and ovarian cancer syndrome (HBOC); Hereditary breast and ovarian cancer syndrome; Hereditary breast and ovarian cancer; Hereditary breast and/or ovarian cancer syndrome; Breast and ovarian cancer; BRCA1- and BRCA2-Associated Hereditary Breast and Ovarian Cancer. Identifiers: Orphanet 145, MedGen C0677776, MeSH D061325, MONDO:0003582. Disease mechanism: loss of function.
Breast-ovarian cancer, familial, susceptibility to, 1 (BROVCA1). Also called: OVARIAN CANCER, SUSCEPTIBILITY TO; BRCA1 Hereditary Breast and Ovarian Cancer. Identifiers: Orphanet 145, MedGen C2676676, MONDO:0011450, OMIM 604370. Disease mechanism: loss of function.

Submissions (4):

Ambry Genetics
Classification: Uncertain significance for Hereditary cancer-predisposing syndrome. Last evaluated: 2025-10-23. Review status: criteria provided, single submitter. Criteria: Ambry Variant Classification Scheme 2023. Collection method: clinical testing. Allele origin: germline.
Comment: The p.L1407V variant (also known as c.4219C>G), located in coding exon 11 of the BRCA1 gene, results from a C to G substitution at nucleotide position 4219. The leucine at codon 1407 is replaced by valine, an amino acid with highly similar properties. This amino acid position is conserved. In addition, the in silico prediction for this alteration is inconclusive. Based on the available evidence, the clinical significance of this variant remains unclear.

Labcorp Genetics (formerly Invitae), Labcorp
Classification: Uncertain significance for Hereditary breast ovarian cancer syndrome. Last evaluated: 2024-12-26. Review status: criteria provided, single submitter. Criteria: Invitae Variant Classification Sherloc (09022015). Collection method: clinical testing. Allele origin: germline.
Comment: This sequence change replaces leucine, which is neutral and non-polar, with valine, which is neutral and non-polar, at codon 1407 of the BRCA1 protein (p.Leu1407Val). This variant is not present in population databases (gnomAD no frequency). This variant has not been reported in the literature in individuals affected with BRCA1-related conditions. ClinVar contains an entry for this variant (Variation ID: 37576). Invitae Evidence Modeling of protein sequence and biophysical properties (such as structural, functional, and spatial information, amino acid conservation, physicochemical variation, residue mobility, and thermodynamic stability) indicates that this missense variant is expected to disrupt BRCA1 protein function with a positive predictive value of 80%. In summary, the available evidence is currently insufficient to determine the role of this variant in disease. Therefore, it has been classified as a Variant of Uncertain Significance.

Color Diagnostics, LLC DBA Color Health
Classification: Uncertain significance for Hereditary cancer-predisposing syndrome. Last evaluated: 2023-03-06. Review status: criteria provided, single submitter. Criteria: ACMG Guidelines, 2015. Collection method: clinical testing. Allele origin: germline.
Comment: This missense variant replaces leucine with valine at codon 1407 of the BRCA1 protein. Computational prediction suggests that this variant may not impact protein structure and function (internally defined REVEL score threshold <= 0.5, PMID: 27666373). To our knowledge, functional studies have not been reported for this variant. This variant has not been reported in individuals affected with BRCA1-related disorders in the literature. This variant has not been identified in the general population by the Genome Aggregation Database (gnomAD). The available evidence is insufficient to determine the role of this variant in disease conclusively. Therefore, this variant is classified as a Variant of Uncertain Significance.

Sharing Clinical Reports Project (SCRP)
Classification: Uncertain significance for Breast-ovarian cancer, familial 1. Last evaluated: 2011-04-29. Review status: no assertion criteria provided. Collection method: clinical testing. Allele origin: germline. Not counted in ClinVar's aggregate classification.